The following is an entry in ClinVar:

ClinVar aggregate classification (germline): Likely benign (1 of 4 stars; one submission).

Allele frequency attached by ClinVar (database versions not stated): ExAC 0.00002; TOPMed 0.00005; gnomAD 0.00006; gnomAD exomes 0.00006.
gnomAD v4.1: 93 of 1,613,866 alleles (0.0058%); highest among the groups gnomAD compares: Middle Eastern, 0.016%; no homozygotes.

Submission:

CeGaT Center for Human Genetics Tuebingen
Classification: Likely benign. Last evaluated: 2022-07-01. Review status: criteria provided, single submitter. Criteria: CeGaT Center For Human Genetics Tuebingen Variant Classification Criteria Version 2. Collection method: clinical testing. Allele origin: germline. Affected: yes. Observed: 1 variant allele.
Comment: KLC2: BP4, BP7

NM_001318734.2(KLC2):c.702C>T (p.His234=)

Genes: KLC2 (kinesin light chain 2; plus strand), KLC2-AS1 (KLC2 antisense RNA 1; minus strand). Cytogenetic location: 11q13.2.
Variant type: single nucleotide variant.
Coding change: c.702C>T on transcript NM_001318734.2 (MANE Select); coding-DNA position 702, C replaced by T.
Protein change: p.His234=; no amino-acid change (histidine 234 retained).
Molecular consequence: synonymous variant.
Genome position (GRCh38, 1-based): chr11:66,262,986, C>T. VCF-style: chr11-66262986-C-T. GRCh37 (hg19) VCF-style: chr11-66030457-C-T.
Other names: c.471C>T, p.His157= (NM_001134774.2); c.702C>T, p.His234= (NM_001134775.2, NM_001134776.2, NM_022822.3).
Identifiers: ClinVar variation 2641984 (VCV002641984.24), dbSNP rs770548281, ClinGen allele CA6117159.